The following is an entry in ClinVar:

NC_012920.1(MT-ATP6):m.9058A>G

Gene: MT-ATP6 (mitochondrially encoded ATP synthase 6; plus strand).
Variant type: single nucleotide variant.
Genome position: chrM-9058-A-G.
Identifiers: ClinVar variation 693069 (VCV000693069.1), dbSNP rs1556423599, ClinGen allele CA414802055.

ClinVar aggregate classification (germline): Benign (1 of 4 stars; one submission).

Conditions:
Leigh syndrome (NULS). Also called: Leigh's necrotizing encephalopathy; Leigh's disease; Leigh Syndrome (mtDNA deletion); Leigh Disease; Subacute necrotizing encephalopathy; Necrotizing encephalopathy infantile subacute of Leigh. Identifiers: Orphanet 506, MedGen C2931891, MONDO:0009723, OMIM 256000.

Submission:

Wong Mito Lab, Molecular and Human Genetics, Baylor College of Medicine
Classification: Benign for Leigh syndrome. Last evaluated: 2019-10-17. Review status: criteria provided, single submitter. Criteria: Modified ACMG Guidelines (Unpublished). Collection method: clinical testing. Allele origin: germline.
Comment: The NC_012920.1:m.9058A>G (YP_003024031.1:p.Thr178Ala) variant in MTATP6 gene is interpretated to be a Benign variant based on the modified ACMG guidelines (unpublished). This variant meets the following evidence codes: BS1, BS2, BP4

Literature cited by the submitters: PubMed 20211276.